The following is an entry in ClinVar:

NM_001162501.2(TNRC6B):c.4784C>T (p.Thr1595Ile)

Gene: TNRC6B (trinucleotide repeat containing adaptor 6B; plus strand). Cytogenetic location: 22q13.1.
Variant type: single nucleotide variant.
Coding change: c.4784C>T on transcript NM_001162501.2 (MANE Select); coding-DNA position 4784, C replaced by T.
Protein change: p.Thr1595Ile; replaces threonine 1595 with isoleucine.
Molecular consequence: missense variant.
Genome position (GRCh38, 1-based): chr22:40,315,388, C>T. VCF-style: chr22-40315388-C-T. GRCh37 (hg19) VCF-style: chr22-40711392-C-T.
Other names: c.2372C>T, p.Thr791Ile (NM_001024843.2); c.4454C>T, p.Thr1485Ile (NM_015088.3); short protein forms T1485I, T1595I, T791I.
Identifiers: ClinVar variation 3372668 (VCV003372668.2).

ClinVar aggregate classification (germline): Uncertain significance (1 of 4 stars; one submission).

Submission:

GeneDx
Classification: Uncertain significance. Last evaluated: 2024-12-03. Review status: criteria provided, single submitter. Criteria: GeneDx Variant Classification Process June 2021. Collection method: clinical testing. Allele origin: germline. Affected: yes.
Comment: Not observed at significant frequency in large population cohorts (gnomAD); In silico analysis indicates that this missense variant does not alter protein structure/function; Has not been previously published as pathogenic or benign to our knowledge